The following is an entry in ClinVar:

NM_006914.4(RORB):c.337G>A (p.Gly113Arg)

Gene: RORB (RAR related orphan receptor B; plus strand). Cytogenetic location: 9q21.13.
Variant type: single nucleotide variant.
Coding change: c.337G>A on transcript NM_006914.4 (MANE Select); coding-DNA position 337, G replaced by A.
Protein change: p.Gly113Arg; replaces glycine 113 with arginine.
Molecular consequence: missense variant.
Genome position (GRCh38, 1-based): chr9:74,642,515, G>A. VCF-style: chr9-74642515-G-A. GRCh37 (hg19) VCF-style: chr9-77257431-G-A.
Other names: c.370G>A, p.Gly124Arg (NM_001365023.1); short protein forms G113R, G124R.
Identifiers: ClinVar variation 2082612 (VCV002082612.4), dbSNP rs1391882566, ClinGen allele CA373769638.

ClinVar aggregate classification (germline): Uncertain significance (1 of 4 stars; one submission).

Allele frequency attached by ClinVar (database versions not stated): TOPMed below 0.00001; gnomAD 0.00001.
gnomAD v4.1: 1 of 1,614,114 alleles (0.000062%); highest among the groups gnomAD compares: Non-Finnish European, 0.000085%; no homozygotes.

Submission:

Labcorp Genetics (formerly Invitae), Labcorp
Classification: Uncertain significance. Last evaluated: 2022-06-15. Review status: criteria provided, single submitter. Criteria: Invitae Variant Classification Sherloc (09022015). Collection method: clinical testing. Allele origin: germline.
Comment: This sequence change replaces glycine, which is neutral and non-polar, with arginine, which is basic and polar, at codon 113 of the RORB protein (p.Gly113Arg). This variant is not present in population databases (gnomAD no frequency). This variant has not been reported in the literature in individuals affected with RORB-related conditions. Algorithms developed to predict the effect of missense changes on protein structure and function are either unavailable or do not agree on the potential impact of this missense change (SIFT: "Deleterious"; PolyPhen-2: "Benign"; Align-GVGD: "Class C0"). In summary, the available evidence is currently insufficient to determine the role of this variant in disease. Therefore, it has been classified as a Variant of Uncertain Significance.